The following is an entry in ClinVar:

NM_000350.3(ABCA4):c.5756_5757insCC (p.Asp1920fs)

Gene: ABCA4 (ATP binding cassette subfamily A member 4; minus strand). Cytogenetic location: 1p22.1.
Variant type: Insertion.
Coding change: c.5756_5757insCC on transcript NM_000350.3 (MANE Select); coding-DNA positions 5756 to 5757, CC inserted.
Protein change: p.Asp1920fs; shifts the reading frame from aspartic acid 1920.
Molecular consequence: frameshift variant.
Genome position: GRCh38 VCF-style: chr1-94008829-A-AGG. GRCh37 (hg19) VCF-style: chr1-94474385-A-AGG.
Other names: c.5534_5535insCC, p.Asp1846Leufs (NM_001425324.1); short protein forms D1920fs.
Identifiers: ClinVar variation 2127742 (VCV002127742.4), dbSNP rs2523649003, ClinGen allele CA2580063467.
Genomic context (GRCh38, chr1:94,008,829, plus strand): 5'-CCTTAAGATGTCAGTTTTATTTCCACCAGTAATAATTCTTTGTCTTTCTTCAGCCACATC[A>AGG]TCATCTTCATCAACAATGGGCTCCTTAGTGGGCTCGGCAATCCTAGATGAAGAAAAGGGG-3'

ClinVar aggregate classification (germline): Pathogenic (1 of 4 stars; one submission).

Submission:

Labcorp Genetics (formerly Invitae), Labcorp
Classification: Pathogenic. Last evaluated: 2022-04-18. Review status: criteria provided, single submitter. Criteria: Invitae Variant Classification Sherloc (09022015). Collection method: clinical testing. Allele origin: germline.
Comment: For these reasons, this variant has been classified as Pathogenic. This variant has not been reported in the literature in individuals affected with ABCA4-related conditions. This sequence change creates a premature translational stop signal (p.Asp1920Leufs*20) in the ABCA4 gene. It is expected to result in an absent or disrupted protein product. Loss-of-function variants in ABCA4 are known to be pathogenic (PMID: 10958761, 24938718, 25312043, 26780318). This variant is not present in population databases (gnomAD no frequency).

Literature cited by the submitters: PubMed 10958761; PubMed 24938718; PubMed 25312043; PubMed 26780318.